The following is an entry in ClinVar:

ClinVar aggregate classification (germline): Uncertain significance. Review status: criteria provided, multiple submitters, no conflicts (2 of 4 stars). 2 submissions from 2 submitters: Uncertain significance (2). Last evaluated 2024-04-25.

Conditions:
Postaxial polydactyly-anterior pituitary anomalies-facial dysmorphism syndrome. Also called: Culler-Jones syndrome. Identifiers: Orphanet 420584, MedGen C4014479, MONDO:0014369, OMIM 615849.
Holoprosencephaly 9 (HPE9). Also called: PITUITARY ANOMALIES WITH HOLOPROSENCEPHALY-LIKE FEATURES; HOLOPROSENCEPHALY WITH MICROPHTHALMIA AND FIRST BRANCHIAL ARCH ANOMALIES. Identifiers: Orphanet 2162, MedGen C1835819, MONDO:0012563, OMIM 610829.

gnomAD v4.1: 2 of 1,611,822 alleles (0.00012%); highest among the groups gnomAD compares: East Asian, 0.0022%; no homozygotes.

Submissions (2):

Labcorp Genetics (formerly Invitae), Labcorp
Classification: Uncertain significance for Postaxial polydactyly-anterior pituitary anomalies-facial dysmorphism syndrome; Holoprosencephaly 9. Last evaluated: 2024-04-25. Review status: criteria provided, single submitter. Criteria: Invitae Variant Classification Sherloc (09022015). Collection method: clinical testing. Allele origin: germline.
Comment: This sequence change replaces proline, which is neutral and non-polar, with leucine, which is neutral and non-polar, at codon 1056 of the GLI2 protein (p.Pro1056Leu). This variant is present in population databases (rs761549286, gnomAD 0.006%). This variant has not been reported in the literature in individuals affected with GLI2-related conditions. Advanced modeling of protein sequence and biophysical properties (such as structural, functional, and spatial information, amino acid conservation, physicochemical variation, residue mobility, and thermodynamic stability) has been performed at Invitae for this missense variant, however the output from this modeling did not meet the statistical confidence thresholds required to predict the impact of this variant on GLI2 protein function. In summary, the available evidence is currently insufficient to determine the role of this variant in disease. Therefore, it has been classified as a Variant of Uncertain Significance.

GeneDx
Classification: Uncertain significance. Last evaluated: 2023-05-26. Review status: criteria provided, single submitter. Criteria: GeneDx Variant Classification Process June 2021. Collection method: clinical testing. Allele origin: germline. Affected: yes.
Comment: In silico analysis supports that this missense variant does not alter protein structure/function; Has not been previously published as pathogenic or benign to our knowledge

NM_001374353.1(GLI2):c.3116C>T (p.Pro1039Leu)

Gene: GLI2 (GLI family zinc finger 2; plus strand). Cytogenetic location: 2q14.2.
Variant type: single nucleotide variant.
Coding change: c.3116C>T on transcript NM_001374353.1 (MANE Select); coding-DNA position 3116, C replaced by T.
Protein change: p.Pro1039Leu; replaces proline 1039 with leucine.
Molecular consequence: missense variant.
Genome position (GRCh38, 1-based): chr2:120,989,081, C>T. VCF-style: chr2-120989081-C-T. GRCh37 (hg19) VCF-style: chr2-121746657-C-T.
Other names: c.3167C>T, p.Pro1056Leu (NM_001371271.1, NM_005270.5); c.2741C>T, p.Pro914Leu (NM_001374354.1); short protein forms P1039L, P1056L, P914L.
Identifiers: ClinVar variation 3362005 (VCV003362005.3).